The following is an entry in ClinVar:

NM_001040436.3(YARS2):c.488G>C (p.Arg163Pro)

Gene: YARS2 (tyrosyl-tRNA synthetase 2; minus strand). Cytogenetic location: 12p11.21.
Variant type: single nucleotide variant.
Coding change: c.488G>C on transcript NM_001040436.3 (MANE Select); coding-DNA position 488, G replaced by C.
Protein change: p.Arg163Pro; replaces arginine 163 with proline.
Molecular consequence: missense variant.
Genome position (GRCh38, 1-based): chr12:32,755,387, C>G on the plus strand (G>C on the coding strand, the complement: YARS2 is on the minus strand). VCF-style: chr12-32755387-C-G. GRCh37 (hg19) VCF-style: chr12-32908321-C-G.
Other names: short protein forms R163P.
Identifiers: ClinVar variation 1909274 (VCV001909274.4), dbSNP rs1253070934, ClinGen allele CA384373806.

ClinVar aggregate classification (germline): Uncertain significance. Review status: criteria provided, multiple submitters, no conflicts (2 of 4 stars). 2 submissions from 2 submitters: Uncertain significance (2). Last evaluated 2022-03-01.

Allele frequency attached by ClinVar (database versions not stated): TOPMed 0.00001.
gnomAD v4.1: 6 of 1,613,918 alleles (0.00037%); highest among the groups gnomAD compares: Middle Eastern, 0.033%; no homozygotes.

Submissions (2):

Labcorp Genetics (formerly Invitae), Labcorp
Classification: Uncertain significance. Last evaluated: 2022-03-01. Review status: criteria provided, single submitter. Criteria: Invitae Variant Classification Sherloc (09022015). Collection method: clinical testing. Allele origin: germline.
Comment: This sequence change replaces arginine, which is basic and polar, with proline, which is neutral and non-polar, at codon 163 of the YARS2 protein (p.Arg163Pro). This variant is not present in population databases (gnomAD no frequency). In summary, the available evidence is currently insufficient to determine the role of this variant in disease. Therefore, it has been classified as a Variant of Uncertain Significance. Advanced modeling of protein sequence and biophysical properties (such as structural, functional, and spatial information, amino acid conservation, physicochemical variation, residue mobility, and thermodynamic stability) performed at Invitae indicates that this missense variant is not expected to disrupt YARS2 protein function. This variant has not been reported in the literature in individuals affected with YARS2-related conditions.

Breakthrough Genomics
Classification: Uncertain significance. Review status: criteria provided, single submitter. Criteria: ACMG Guidelines, 2015. Collection method: not provided. Allele origin: germline. Inheritance: Autosomal recessive inheritance. Affected: yes.